The following is an entry in ClinVar:

ClinVar aggregate classification (germline): Uncertain significance (1 of 4 stars; one submission).

Conditions:
Cortical dysplasia, complex, with other brain malformations 13. Also called: Intellectual disability, autosomal dominant 13. Identifiers: MedGen C3281202, MONDO:0013805, OMIM 614563.

Submission:

Laboratorio de Genetica e Diagnostico Molecular, Hospital Israelita Albert Einstein
Classification: Uncertain significance for Cortical dysplasia, complex, with other brain malformations 13. Last evaluated: 2022-09-16. Review status: criteria provided, single submitter. Criteria: ACMG Guidelines, 2015. Collection method: clinical testing. Allele origin: germline. Affected: yes. Observed: 1 variant allele.
Comment: ACMG classification criteria: PM2 moderated, PP2 supporting, PP3 supporting

NM_001376.5(DYNC1H1):c.4367A>G (p.Glu1456Gly)

Gene: DYNC1H1 (dynein cytoplasmic 1 heavy chain 1; plus strand). Cytogenetic location: 14q32.31.
Variant type: single nucleotide variant.
Coding change: c.4367A>G on transcript NM_001376.5 (MANE Select); coding-DNA position 4367, A replaced by G.
Protein change: p.Glu1456Gly; replaces glutamic acid 1456 with glycine.
Molecular consequence: missense variant.
Genome position (GRCh38, 1-based): chr14:102,001,326, A>G. VCF-style: chr14-102001326-A-G. GRCh37 (hg19) VCF-style: chr14-102467663-A-G.
Other names: short protein forms E1456G.
Identifiers: ClinVar variation 2431810 (VCV002431810.1), dbSNP rs2503730455, ClinGen allele CA391042041.
Genomic context (GRCh38, chr14:102,001,326, plus strand): 5'-ATGTTGACTTGCAGAAAAATGAAGCGATTGTCAAGGATGTACTGCTTGTGGCACAAGGGG[A>G]GATGGCTTTGGAAGAATTTTTGAAGCAGGCGAGTAATAGGACTGAACGGCTGCTTTACGT-3'
Protein context (NP_001367.2, residues 1446-1466): VKDVLLVAQG[Glu1456Gly]MALEEFLKQI